The following is an entry in ClinVar:

NM_000642.3(AGL):c.4268T>C (p.Val1423Ala)

Gene: AGL (amylo-alpha-1,6-glucosidase and 4-alpha-glucanotransferase; plus strand). Cytogenetic location: 1p21.2.
Variant type: single nucleotide variant.
Coding change: c.4268T>C on transcript NM_000642.3 (MANE Select); coding-DNA position 4268, T replaced by C.
Protein change: p.Val1423Ala; replaces valine 1423 with alanine.
Molecular consequence: missense variant.
Genome position (GRCh38, 1-based): chr1:99,916,418, T>C. VCF-style: chr1-99916418-T-C. GRCh37 (hg19) VCF-style: chr1-100381974-T-C.
Other names: c.4268T>C, p.Val1423Ala (NM_000028.3, NM_000643.3, NM_000644.3 and 1 more transcripts); c.4220T>C, p.Val1407Ala (NM_000646.3); c.4247T>C, p.Val1416Ala (NM_001425326.1); c.4067T>C, p.Val1356Ala (NM_001425327.1); c.4064T>C, p.Val1355Ala (NM_001425328.1); c.3929T>C, p.Val1310Ala (NM_001425329.1); c.3890T>C, p.Val1297Ala (NM_001425332.1); short protein forms V1407A, V1423A, V1297A, V1310A, V1355A, V1356A, V1416A.
Identifiers: ClinVar variation 2091744 (VCV002091744.1), dbSNP rs1655117046, ClinGen allele CA341342202.

ClinVar aggregate classification (germline): Uncertain significance (1 of 4 stars; one submission).

Conditions:
Glycogen storage disease type III (GSD3). Also called: Cori disease; FORBES DISEASE. Identifiers: Orphanet 366, MedGen C0017922, MONDO:0009291, OMIM 232400.

Allele frequency attached by ClinVar (database versions not stated): TOPMed below 0.00001.

Submission:

Labcorp Genetics (formerly Invitae), Labcorp
Classification: Uncertain significance for Glycogen storage disease type III. Last evaluated: 2022-03-19. Review status: criteria provided, single submitter. Criteria: Invitae Variant Classification Sherloc (09022015). Collection method: clinical testing. Allele origin: germline.
Comment: This sequence change replaces valine, which is neutral and non-polar, with alanine, which is neutral and non-polar, at codon 1423 of the AGL protein (p.Val1423Ala). This variant is not present in population databases (gnomAD no frequency). This variant has not been reported in the literature in individuals affected with AGL-related conditions. Algorithms developed to predict the effect of missense changes on protein structure and function (SIFT, PolyPhen-2, Align-GVGD) all suggest that this variant is likely to be tolerated. In summary, the available evidence is currently insufficient to determine the role of this variant in disease. Therefore, it has been classified as a Variant of Uncertain Significance.